The following is an entry in ClinVar:

NM_001429.4(EP300):c.3502-1G>T

Gene: EP300 (E1A binding protein p300; plus strand). Cytogenetic location: 22q13.2.
Variant type: single nucleotide variant.
Coding change: c.3502-1G>T on transcript NM_001429.4 (MANE Select); the canonical splice acceptor site of the intron before coding-DNA position 3502, G replaced by T.
Molecular consequence: splice acceptor variant.
Genome position (GRCh38, 1-based): chr22:41,158,411, G>T. VCF-style: chr22-41158411-G-T. GRCh37 (hg19) VCF-style: chr22-41554415-G-T.
Other names: c.3424-1G>T (NM_001362843.2).
Identifiers: ClinVar variation 280286 (VCV000280286.5), dbSNP rs886041520, ClinGen allele CA10603571.

ClinVar aggregate classification (germline): Pathogenic (1 of 4 stars; one submission).

Submission:

GeneDx
Classification: Pathogenic. Last evaluated: 2022-04-29. Review status: criteria provided, single submitter. Criteria: GeneDx Variant Classification Process June 2021. Collection method: clinical testing. Allele origin: germline. Affected: yes.
Comment: Has not been previously published as pathogenic or benign to our knowledge; Not observed in large population cohorts (gnomAD); Canonical splice site variant in a gene for which loss-of-function is a known mechanism of disease